The following is an entry in ClinVar:

ClinVar aggregate classification (germline): Conflicting classifications of pathogenicity. Review status: criteria provided, conflicting classifications (1 of 4 stars). 4 submissions from 4 submitters: Uncertain significance (3); Likely benign (1). Last evaluated 2024-08-06.

Conditions:
Hereditary breast ovarian cancer syndrome. Also called: Hereditary breast and ovarian cancer; Hereditary breast and/or ovarian cancer syndrome; BRCA1- and BRCA2-Associated Hereditary Breast and Ovarian Cancer; Hereditary breast and ovarian cancer syndrome; Hereditary breast and ovarian cancer syndrome (HBOC); Breast and ovarian cancer. Identifiers: Orphanet 145, MedGen C0677776, MeSH D061325, MONDO:0003582. Disease mechanism: loss of function.
Hereditary cancer-predisposing syndrome. Also called: Tumor predisposition; Hereditary Cancer Syndrome; Hereditary neoplastic syndrome; Neoplastic Syndromes, Hereditary. Identifiers: Orphanet 140162, MedGen C0027672, MeSH D009386, MONDO:0015356.
BRCA1-related cancer predisposition. Identifiers: MedGen CN377757, MONDO:0700268.

Submissions (4):

All of Us Research Program, National Institutes of Health
Classification: Uncertain significance for BRCA1-related cancer predisposition. Last evaluated: 2024-08-06. Review status: criteria provided, single submitter. Criteria: ACMG Guidelines, 2015. Collection method: clinical testing. Allele origin: germline. Inheritance: Autosomal dominant inheritance. Observed: 1 variant allele, 1 heterozygote.
Comment: This study involves interpretation of variants in research participants for the purpose of population health screening. Participant phenotype was not available at the time of variant classification. Additional details can be found in publication PMID: 35346344, PMCID: PMC8962531

Ambry Genetics
Classification: Uncertain significance for Hereditary cancer-predisposing syndrome. Last evaluated: 2023-11-03. Review status: criteria provided, single submitter. Criteria: Ambry Variant Classification Scheme 2023. Collection method: clinical testing. Allele origin: germline.
Comment: The p.Q1069L variant (also known as c.3206A>T), located in coding exon 9 of the BRCA1 gene, results from an A to T substitution at nucleotide position 3206. The glutamine at codon 1069 is replaced by leucine, an amino acid with dissimilar properties. This amino acid position is well conserved in available vertebrate species. In addition, the in silico prediction for this alteration is inconclusive. Since supporting evidence is limited at this time, the clinical significance of this alteration remains unclear.

University of Washington Department of Laboratory Medicine, University of Washington
Classification: Likely benign for Hereditary cancer-predisposing syndrome. Last evaluated: 2023-03-23. Review status: criteria provided, single submitter. Criteria: Dines et al. (Genet Med. 2020). Collection method: curation. Allele origin: germline.
Comment: Missense variant in a coldspot region where missense variants are very unlikely to be pathogenic (PMID:31911673).

BRCA1 coldspot (exon 11 using historical exon numbering). Reclassification based on statistical prior probability

Labcorp Genetics (formerly Invitae), Labcorp
Classification: Uncertain significance for Hereditary breast ovarian cancer syndrome. Last evaluated: 2022-03-02. Review status: criteria provided, single submitter. Criteria: Invitae Variant Classification Sherloc (09022015). Collection method: clinical testing. Allele origin: germline.
Comment: In summary, the available evidence is currently insufficient to determine the role of this variant in disease. Therefore, it has been classified as a Variant of Uncertain Significance. Advanced modeling of protein sequence and biophysical properties (such as structural, functional, and spatial information, amino acid conservation, physicochemical variation, residue mobility, and thermodynamic stability) performed at Invitae indicates that this missense variant is not expected to disrupt BRCA1 protein function. ClinVar contains an entry for this variant (Variation ID: 409374). This variant has not been reported in the literature in individuals affected with BRCA1-related conditions. This variant is not present in population databases (gnomAD no frequency). This sequence change replaces glutamine, which is neutral and polar, with leucine, which is neutral and non-polar, at codon 1069 of the BRCA1 protein (p.Gln1069Leu).

NM_007294.4(BRCA1):c.3206A>T (p.Gln1069Leu)

Gene: BRCA1 (BRCA1 DNA repair associated; minus strand). Cytogenetic location: 17q21.31.
Variant type: single nucleotide variant.
Coding change: c.3206A>T on transcript NM_007294.4 (MANE Select); coding-DNA position 3206, A replaced by T.
Protein change: p.Gln1069Leu; replaces glutamine 1069 with leucine.
Molecular consequence: missense variant. On other transcripts: intron variant (137).
Genome position (GRCh38, 1-based): chr17:43,092,325, T>A on the plus strand (A>T on the coding strand, the complement: BRCA1 is on the minus strand). VCF-style: chr17-43092325-T-A. GRCh37 (hg19) VCF-style: chr17-41244342-T-A.
Other names: c.3065A>T, p.Gln1022Leu (NM_001407851.1, NM_001407852.1, NM_001407692.1 and 29 more transcripts); c.788-1293A>T (NM_001407977.1, NM_001407982.1, NM_001407970.1 and 17 more transcripts); c.710-1293A>T (NM_001408415.1, NM_001408412.1, NM_001408409.1 and 2 more transcripts); c.578-1293A>T (NM_001408483.1, NM_001408481.1, NM_001408480.1 and 9 more transcripts); c.665-1293A>T (NM_001408442.1, NM_001408426.1, NM_001408436.1 and 12 more transcripts); c.647-1293A>T (NM_001408410.1, NM_001408458.1, NM_001408469.1 and 11 more transcripts); c.3206A>T, p.Gln1069Leu (NM_001407859.1, NM_001407854.1, NM_001407858.1 and 30 more transcripts); c.2993A>T, p.Gln998Leu (NM_001407853.1, NM_001407894.1, NM_001407895.1 and 9 more transcripts); and 41 more; short protein forms Q1069L, Q1022L, Q1001L, Q1027L, Q1066L, Q941L, Q958L, Q981L.
Identifiers: ClinVar variation 409374 (VCV000409374.15), dbSNP rs879254151, ClinGen allele CA10595566.